The following is an entry in ClinVar:

NM_139343.3(BIN1):c.1251G>A (p.Trp417Ter)

Gene: BIN1 (bridging integrator 1; minus strand). Cytogenetic location: 2q14.3.
Variant type: single nucleotide variant.
Coding change: c.1251G>A on transcript NM_139343.3 (MANE Select); coding-DNA position 1251, G replaced by A.
Protein change: p.Trp417Ter; replaces tryptophan 417 with a stop codon.
Molecular consequence: nonsense. On other transcripts: intron variant (12).
Genome position (GRCh38, 1-based): chr2:127,053,434, C>T on the plus strand (G>A on the coding strand, the complement: BIN1 is on the minus strand). VCF-style: chr2-127053434-C-T. GRCh37 (hg19) VCF-style: chr2-127811010-C-T.
Other names: c.1158G>A, p.Trp386Ter (NM_001320641.2); c.1170G>A, p.Trp390Ter (NM_001320642.1); c.1122G>A, p.Trp374Ter (NM_139344.3); c.838-2522G>A (NM_001320634.1); c.910-2522G>A (NM_139351.3); c.910-2191G>A (NM_139350.3); c.910-1072G>A (NM_139349.3); c.1039-2191G>A (NM_139348.3); and 7 more; short protein forms W374*, W386*, W390*, W417*.
Identifiers: ClinVar variation 1058680 (VCV001058680.7), dbSNP rs2104891817, ClinGen allele CA348376579.
Genomic context (GRCh38, chr2:127,053,434, plus strand): 5'-AAGAGTGGCTCCCCCAGGGGCTGGACAAAGAGCAGACGTGCAGCTTACCTCCCAGAGGTC[C>T]CATGGAATTGACTGAGCGCAGCAGTGAGGGCGAGAAGGACAGTTAGCACAGAGGTTAGAG-3'

ClinVar aggregate classification (germline): Uncertain significance (1 of 4 stars; one submission).

Conditions:
Myopathy, centronuclear, 2 (CNM2). Also called: MYOTUBULAR MYOPATHY, AUTOSOMAL RECESSIVE. Identifiers: Orphanet 169186, MedGen CN031787, MONDO:0009709, OMIM 255200.

Submission:

Labcorp Genetics (formerly Invitae), Labcorp
Classification: Uncertain significance for Myopathy, centronuclear, 2. Last evaluated: 2020-03-22. Review status: criteria provided, single submitter. Criteria: Invitae Variant Classification Sherloc (09022015). Collection method: clinical testing. Allele origin: germline.
Comment: This sequence change creates a premature translational stop signal (p.Trp417*) in the BIN1 gene. It is expected to result in an absent or disrupted protein product. This variant is not present in population databases (ExAC no frequency). This variant has not been reported in the literature in individuals with BIN1-related conditions. The current clinical and genetic evidence is not sufficient to establish whether loss-of-function variants in BIN1 cause disease. In summary, the available evidence is currently insufficient to determine the role of this variant in disease. Therefore, it has been classified as a Variant of Uncertain Significance.